The following is an entry in ClinVar:

NM_205836.3(FBXO38):c.1410T>A (p.Gly470=)

Gene: FBXO38 (F-box protein 38; plus strand). Cytogenetic location: 5q32.
Variant type: single nucleotide variant.
Coding change: c.1410T>A on transcript NM_205836.3 (MANE Select); coding-DNA position 1410, T replaced by A.
Protein change: p.Gly470=; no amino-acid change (glycine 470 retained).
Molecular consequence: synonymous variant.
Genome position (GRCh38, 1-based): chr5:148,416,996, T>A. VCF-style: chr5-148416996-T-A. GRCh37 (hg19) VCF-style: chr5-147796559-T-A.
Other names: c.1410T>A, p.Gly470= (NM_001271723.2, NM_030793.5).
Identifiers: ClinVar variation 771295 (VCV000771295.12), dbSNP rs762232515, ClinGen allele CA3497284.
Genomic context (GRCh38, chr5:148,416,996, plus strand): 5'-ATGAAGGGATATATACTAACCCAAATTAATAAACGTATGTGTTTTGGTTTTGCCTTAGGG[T>A]TGTGCTCGAGTTGGTCTGAGTGCAGGCACAGGAATTGGTGTTTCATCAGCTCTTGTTAGC-3'
Protein context (NP_995308.1, residues 460-480): LDQMFREPPK[Gly470=]CARVGLSAGT

ClinVar aggregate classification (germline): Likely benign. Review status: criteria provided, multiple submitters, no conflicts (2 of 4 stars). 2 submissions from 2 submitters: Likely benign (2). Last evaluated 2025-10-23.

Conditions:
Distal hereditary motor neuropathy type 2. Identifiers: Orphanet 139525, MedGen C3711384, MeSH C580044, MONDO:0015352.
FBXO38-related disorder. Also called: FBXO38-related condition.

Allele frequency attached by ClinVar (database versions not stated): ExAC 0.00001; gnomAD exomes 0.00001; gnomAD 0.00004 and 0.00005; TOPMed 0.00006.
gnomAD v4.1: 29 of 1,612,898 alleles (0.0018%); highest among the groups gnomAD compares: African/African-American, 0.029%; no homozygotes.

Submissions (2):

PreventionGenetics, part of Exact Sciences
Classification: Likely benign for FBXO38-related condition. Last evaluated: 2025-10-23. Review status: criteria provided, single submitter. Criteria: ACMG Guidelines, 2015. Collection method: clinical testing. Allele origin: germline.
Comment: This variant is classified as likely benign based on ACMG/AMP sequence variant interpretation guidelines (Richards et al. 2015 PMID: 25741868, with internal and published modifications).

Labcorp Genetics (formerly Invitae), Labcorp
Classification: Likely benign for Distal hereditary motor neuropathy type 2. Last evaluated: 2024-07-16. Review status: criteria provided, single submitter. Criteria: Invitae Variant Classification Sherloc (09022015). Collection method: clinical testing. Allele origin: germline.